The following is an entry in ClinVar:

NM_000531.6(OTC):c.464C>A (p.Ala155Glu)

Gene: OTC (ornithine transcarbamylase; plus strand). Cytogenetic location: Xp11.4.
Variant type: single nucleotide variant.
Coding change: c.464C>A on transcript NM_000531.6 (MANE Select); coding-DNA position 464, C replaced by A.
Protein change: p.Ala155Glu; replaces alanine 155 with glutamic acid.
Molecular consequence: missense variant.
Genome position (GRCh38, 1-based): chrX:38,401,352, C>A. VCF-style: chrX-38401352-C-A. GRCh37 (hg19) VCF-style: chrX-38260605-C-A.
Other names: short protein forms A155E.
Identifiers: ClinVar variation 97210 (VCV000097210.3), dbSNP rs72556268, ClinGen allele CA224625.

ClinVar aggregate classification (germline): Uncertain significance. Review status: criteria provided, single submitter (1 of 4 stars). 2 submissions from 2 submitters: Uncertain significance (1). 1 of the submissions does not count toward it. Last evaluated 2024-11-26.

Conditions:
Ornithine carbamoyltransferase deficiency (OTCD). Also called: ORNITHINE TRANSCARBAMYLASE DEFICIENCY, HYPERAMMONEMIA DUE TO; ORNITHINE TRANSCARBAMYLASE DEFICIENCY; OTC DEFICIENCY; Ornithine Carbamoyltransferase Deficiency Disease. Identifiers: Orphanet 664, MedGen C0268542, MONDO:0010703, OMIM 311250.

Submissions (2):

3billion
Classification: Uncertain significance for Ornithine carbamoyltransferase deficiency. Last evaluated: 2024-11-26. Review status: criteria provided, single submitter. Criteria: ACMG Guidelines, 2015. Collection method: clinical testing. Allele origin: germline. Affected: yes.
Comment: The variant is not observed in the gnomAD v4.1.0 dataset. Predicted Consequence/Location: Missense variant In silico tool predictions suggest damaging effect of the variant on gene or gene product [REVEL: 0.97 (>=0.6, sensitivity 0.68 and specificity 0.92)]. The same nucleotide change resulting in the same amino acid change has been previously reported to be associated with OTC related disorder (ClinVar ID: VCV000097210 /PMID: 16786505). However, the evidence of pathogenicity is insufficient at this time. Different missense changes at the same codon (p.Ala155Pro, p.Ala155Ser) have been reported to be associated with OTC related disorder (ClinVar ID: VCV000097208, VCV000097209 /PMID: 11793468, 16786505). Therefore, this variant is classified as VUS according to the recommendation of ACMG/AMP guideline.

GenMed Metabolism Lab
Classification: Pathogenic. Review status: no assertion criteria provided. Collection method: not provided. Allele origin: unknown. Not counted in ClinVar's aggregate classification.
Comment: p.Ala155Glu, Neonatal
ClinVar note: Converted during submission from pathogenic to Pathogenic.

Literature cited by the submitters: PubMed 11793468 (cited by 3billion); PubMed 16786505 (cited by 3billion).